The following is an entry in ClinVar:

NM_002439.5(MSH3):c.2899A>G (p.Thr967Ala)

Gene: MSH3 (mutS homolog 3; plus strand). Cytogenetic location: 5q14.1.
Variant type: single nucleotide variant.
Coding change: c.2899A>G on transcript NM_002439.5 (MANE Select); coding-DNA position 2899, A replaced by G.
Protein change: p.Thr967Ala; replaces threonine 967 with alanine.
Molecular consequence: missense variant.
Genome position (GRCh38, 1-based): chr5:80,854,215, A>G. VCF-style: chr5-80854215-A-G. GRCh37 (hg19) VCF-style: chr5-80150034-A-G.
Other names: short protein forms T967A.
Identifiers: ClinVar variation 959486 (VCV000959486.14), dbSNP rs1019486187, ClinGen allele CA121338528.
Genomic context (GRCh38, chr5:80,854,215, plus strand): 5'-AAAGGACAGAGTACATTTATGGAAGAACTGACTGACACAGCAGAAATAATCAGAAAAGCA[A>G]CATCACAGTCCTTGGTTATCTTGGATGAACTAGGAAGAGGGACGAGCACTCATGATGGAA-3'
Protein context (NP_002430.3, residues 957-977): TDTAEIIRKA[Thr967Ala]SQSLVILDEL

ClinVar aggregate classification (germline): Uncertain significance. Review status: criteria provided, multiple submitters, no conflicts (2 of 4 stars). 3 submissions from 3 submitters: Uncertain significance (3). Last evaluated 2025-06-06.

Conditions:
Hereditary cancer-predisposing syndrome. Also called: Tumor predisposition; Hereditary neoplastic syndrome; Neoplastic Syndromes, Hereditary; Hereditary Cancer Syndrome. Identifiers: Orphanet 140162, MedGen C0027672, MeSH D009386, MONDO:0015356.

Allele frequency attached by ClinVar (database versions not stated): gnomAD exomes below 0.00001; TOPMed below 0.00001; gnomAD 0.00001.
gnomAD v4.1: 5 of 1,613,844 alleles (0.00031%); highest among the groups gnomAD compares: African/African-American, 0.0013%; no homozygotes.

Submissions (3):

GeneDx
Classification: Uncertain significance. Last evaluated: 2025-06-06. Review status: criteria provided, single submitter. Criteria: GeneDx Variant Classification Process June 2021. Collection method: clinical testing. Allele origin: germline. Affected: yes.
Comment: Not observed at significant frequency in large population cohorts (gnomAD); In silico analysis supports that this missense variant has a deleterious effect on protein structure/function; Has not been previously published as pathogenic or benign to our knowledge

Ambry Genetics
Classification: Uncertain significance for Hereditary cancer-predisposing syndrome. Last evaluated: 2024-04-04. Review status: criteria provided, single submitter. Criteria: Ambry Variant Classification Scheme 2023. Collection method: clinical testing. Allele origin: germline.
Comment: The p.T967A variant (also known as c.2899A>G), located in coding exon 21 of the MSH3 gene, results from an A to G substitution at nucleotide position 2899. The threonine at codon 967 is replaced by alanine, an amino acid with similar properties. This amino acid position is conserved. In addition, the in silico prediction for this alteration is inconclusive. Since supporting evidence is limited at this time, the clinical significance of this alteration remains unclear.

Labcorp Genetics (formerly Invitae), Labcorp
Classification: Uncertain significance. Last evaluated: 2023-12-11. Review status: criteria provided, single submitter. Criteria: Invitae Variant Classification Sherloc (09022015). Collection method: clinical testing. Allele origin: germline.
Comment: This sequence change replaces threonine, which is neutral and polar, with alanine, which is neutral and non-polar, at codon 967 of the MSH3 protein (p.Thr967Ala). This variant is not present in population databases (gnomAD no frequency). This variant has not been reported in the literature in individuals affected with MSH3-related conditions. ClinVar contains an entry for this variant (Variation ID: 959486). An algorithm developed to predict the effect of missense changes on protein structure and function (PolyPhen-2) suggests that this variant is likely to be disruptive. In summary, the available evidence is currently insufficient to determine the role of this variant in disease. Therefore, it has been classified as a Variant of Uncertain Significance.